The following is an entry in ClinVar:

NM_001130438.3(SPTAN1):c.5818G>C (p.Asp1940His)

Gene: SPTAN1 (spectrin alpha, non-erythrocytic 1; plus strand). Cytogenetic location: 9q34.11.
Variant type: single nucleotide variant.
Coding change: c.5818G>C on transcript NM_001130438.3 (MANE Select); coding-DNA position 5818, G replaced by C.
Protein change: p.Asp1940His; replaces aspartic acid 1940 with histidine.
Molecular consequence: missense variant.
Genome position (GRCh38, 1-based): chr9:128,621,242, G>C. VCF-style: chr9-128621242-G-C. GRCh37 (hg19) VCF-style: chr9-131383521-G-C.
Other names: c.5818G>C (NM_001130438.2); c.5743G>C, p.Asp1915His (NM_001195532.2); c.5818G>C, p.Asp1940His (NM_001363759.2, NM_001375310.1, NM_001375311.2 and 1 more transcripts); c.5758G>C, p.Asp1920His (NM_001363765.2, NM_001375314.2); c.5854G>C, p.Asp1952His (NM_001375312.2, NM_001375318.1); c.5803G>C, p.Asp1935His (NM_003127.4); short protein forms D1920H, D1915H, D1940H, D1952H, D1935H.
Identifiers: ClinVar variation 2807580 (VCV002807580.4), dbSNP rs1857812190, ClinGen allele CA375080174.

ClinVar aggregate classification (germline): Uncertain significance. Review status: criteria provided, multiple submitters, no conflicts (2 of 4 stars). 2 submissions from 2 submitters: Uncertain significance (2). Last evaluated 2023-12-16.

Conditions:
Early-infantile DEE. Also called: Early infantile epileptic encephalopathy; Early infantile epileptic encephalopathy with suppression bursts; Ohtahara syndrome. Identifiers: Orphanet 1934, MedGen C0393706, MONDO:0800491.

Submissions (2):

Labcorp Genetics (formerly Invitae), Labcorp
Classification: Uncertain significance for Early-infantile DEE. Last evaluated: 2023-12-16. Review status: criteria provided, single submitter. Criteria: Invitae Variant Classification Sherloc (09022015). Collection method: clinical testing. Allele origin: germline.
Comment: This sequence change replaces aspartic acid, which is acidic and polar, with histidine, which is basic and polar, at codon 1940 of the SPTAN1 protein (p.Asp1940His). This variant is not present in population databases (gnomAD no frequency). This variant has not been reported in the literature in individuals affected with SPTAN1-related conditions. Advanced modeling of protein sequence and biophysical properties (such as structural, functional, and spatial information, amino acid conservation, physicochemical variation, residue mobility, and thermodynamic stability) has been performed at Invitae for this missense variant, however the output from this modeling did not meet the statistical confidence thresholds required to predict the impact of this variant on SPTAN1 protein function. In summary, the available evidence is currently insufficient to determine the role of this variant in disease. Therefore, it has been classified as a Variant of Uncertain Significance.

GeneDx
Classification: Uncertain significance. Last evaluated: 2023-10-25. Review status: criteria provided, single submitter. Criteria: GeneDx Variant Classification Process June 2021. Collection method: clinical testing. Allele origin: germline. Affected: yes.
Comment: Not observed at significant frequency in large population cohorts (gnomAD); In silico analysis supports that this missense variant has a deleterious effect on protein structure/function; Has not been previously published as pathogenic or benign to our knowledge